The following is an entry in ClinVar:

ClinVar aggregate classification (germline): Uncertain significance. Review status: criteria provided, multiple submitters, no conflicts (2 of 4 stars). 2 submissions from 2 submitters: Uncertain significance (2). Last evaluated 2024-06-02.

Conditions:
Hereditary cancer-predisposing syndrome. Also called: Neoplastic Syndromes, Hereditary; Tumor predisposition; Hereditary neoplastic syndrome; Hereditary Cancer Syndrome. Identifiers: Orphanet 140162, MedGen C0027672, MeSH D009386, MONDO:0015356.

Submissions (2):

Labcorp Genetics (formerly Invitae), Labcorp
Classification: Uncertain significance. Last evaluated: 2024-06-02. Review status: criteria provided, single submitter. Criteria: Invitae Variant Classification Sherloc (09022015). Collection method: clinical testing. Allele origin: germline.
Comment: This sequence change replaces leucine, which is neutral and non-polar, with valine, which is neutral and non-polar, at codon 1850 of the POLE protein (p.Leu1850Val). This variant is not present in population databases (gnomAD no frequency). This variant has not been reported in the literature in individuals affected with POLE-related conditions. Advanced modeling of protein sequence and biophysical properties (such as structural, functional, and spatial information, amino acid conservation, physicochemical variation, residue mobility, and thermodynamic stability) performed at Invitae indicates that this missense variant is not expected to disrupt POLE protein function with a negative predictive value of 80%. In summary, the available evidence is currently insufficient to determine the role of this variant in disease. Therefore, it has been classified as a Variant of Uncertain Significance.

Ambry Genetics
Classification: Uncertain significance for Hereditary cancer-predisposing syndrome. Last evaluated: 2024-01-01. Review status: criteria provided, single submitter. Criteria: Ambry Variant Classification Scheme 2023. Collection method: clinical testing. Allele origin: germline.
Comment: The p.L1850V variant (also known as c.5548C>G), located in coding exon 40 of the POLE gene, results from a C to G substitution at nucleotide position 5548. The leucine at codon 1850 is replaced by valine, an amino acid with highly similar properties. This amino acid position is conserved. In addition, this alteration is predicted to be tolerated by in silico analysis. Since supporting evidence is limited at this time, the clinical significance of this alteration remains unclear.

NM_006231.4(POLE):c.5548C>G (p.Leu1850Val)

Gene: POLE (DNA polymerase epsilon, catalytic subunit; minus strand). Cytogenetic location: 12q24.33.
Variant type: single nucleotide variant.
Coding change: c.5548C>G on transcript NM_006231.4 (MANE Select); coding-DNA position 5548, C replaced by G.
Protein change: p.Leu1850Val; replaces leucine 1850 with valine.
Molecular consequence: missense variant.
Genome position (GRCh38, 1-based): chr12:132,639,129, G>C on the plus strand (C>G on the coding strand, the complement: POLE is on the minus strand). VCF-style: chr12-132639129-G-C. GRCh37 (hg19) VCF-style: chr12-133215715-G-C.
Other names: short protein forms L1850V.
Identifiers: ClinVar variation 3225484 (VCV003225484.3), dbSNP rs2042090108, ClinGen allele CA387374532.